The following is an entry in ClinVar:

NM_170707.4(LMNA):c.1381-4G>T

Gene: LMNA (lamin A/C; plus strand). Cytogenetic location: 1q22.
Variant type: single nucleotide variant.
Coding change: c.1381-4G>T on transcript NM_170707.4 (MANE Select); 4 bases into the intron before coding-DNA position 1381, G replaced by T.
Molecular consequence: intron variant.
Genome position (GRCh38, 1-based): chr1:156,136,917, G>T. VCF-style: chr1-156136917-G-T. GRCh37 (hg19) VCF-style: chr1-156106708-G-T.
Other names: c.1381-4G>T (NM_001282625.2, NM_001282626.2, NM_170708.4 and 1 more transcripts); c.1045-4G>T (NM_001257374.3); c.1138-4G>T (NM_001282624.2).
Identifiers: ClinVar variation 1643428 (VCV001643428.9), dbSNP rs752880523, ClinGen allele CA889736999.

ClinVar aggregate classification (germline): Likely benign. Review status: criteria provided, multiple submitters, no conflicts (2 of 4 stars). 2 submissions from 2 submitters: Likely benign (2). Last evaluated 2025-01-30.

Conditions:
Charcot-Marie-Tooth disease type 2. Also called: Charcot-Marie-Tooth type 2. Identifiers: Orphanet 64746, MedGen C0270914, MONDO:0018993.
Primary dilated cardiomyopathy (DCM). Also called: Dilated Cardiomyopathy. Identifiers: Orphanet 217604, MedGen C0007193, MeSH D002311, MONDO:0005021, HP:0001644. Inheritance: Various modes of inheritance.

Allele frequency attached by ClinVar (database versions not stated): TOPMed below 0.00001; gnomAD 0.00001.
gnomAD v4.1: 3 of 1,612,714 alleles (0.00019%); highest among the groups gnomAD compares: Non-Finnish European, 0.00025%; no homozygotes.

Submissions (2):

Labcorp Genetics (formerly Invitae), Labcorp
Classification: Likely benign for Charcot-Marie-Tooth disease type 2. Last evaluated: 2025-01-30. Review status: criteria provided, single submitter. Criteria: Invitae Variant Classification Sherloc (09022015). Collection method: clinical testing. Allele origin: germline.

All of Us Research Program, National Institutes of Health
Classification: Likely benign for Primary dilated cardiomyopathy. Last evaluated: 2023-04-28. Review status: criteria provided, single submitter. Criteria: ACMG Guidelines, 2015. Collection method: clinical testing. Allele origin: germline. Inheritance: Autosomal dominant inheritance. Observed: 1 variant allele, 1 heterozygote.
Comment: This study involves interpretation of variants in research participants for the purpose of population health screening. Participant phenotype was not available at the time of variant classification. Additional details can be found in publication PMID: 35346344, PMCID: PMC8962531